The following is an entry in ClinVar:

NM_000535.7(PMS2):c.265A>G (p.Thr89Ala)

Gene: PMS2 (PMS1 homolog 2, mismatch repair system component; minus strand). Cytogenetic location: 7p22.1.
Variant type: single nucleotide variant.
Coding change: c.265A>G on transcript NM_000535.7 (MANE Select); coding-DNA position 265, A replaced by G.
Protein change: p.Thr89Ala; replaces threonine 89 with alanine.
Molecular consequence: missense variant. On other transcripts: 5 prime UTR variant (9), non-coding transcript variant (1), intron variant (2).
Genome position (GRCh38, 1-based): chr7:6,003,778, T>C on the plus strand (A>G on the coding strand, the complement: PMS2 is on the minus strand). VCF-style: chr7-6003778-T-C. GRCh37 (hg19) VCF-style: chr7-6043409-T-C.
Other names: c.-141A>G (NM_001322003.2, NM_001322004.2, NM_001322005.2 and 3 more transcripts); c.265A>G, p.Thr89Ala (NM_001322006.2, NM_001322014.2); c.-620A>G (NM_001322011.2, NM_001322012.2); c.-220A>G (NM_001322015.2); c.35+194A>G (NM_001322008.2, NM_001322007.2); short protein forms T89A.
Identifiers: ClinVar variation 1698024 (VCV001698024.4), dbSNP rs2128827539, ClinGen allele CA366744703.
Genomic context (GRCh38, chr7:6,003,778, plus strand): 5'-CCCCCCGAAAGCCAAAAGTTTCAACCTGAGTTAGGTCGGCAAACTCTTGAATCTTAGATG[T>C]GTGATGTTTCAGAGCTGAAAGAGAGTGTAAAGTAAGGACTAAGATATCTCAAGTGCTATA-3'
Protein context (NP_000526.2, residues 79-99): NFEGLTLKHH[Thr89Ala]SKIQEFADLT

ClinVar aggregate classification (germline): Uncertain significance. Review status: criteria provided, multiple submitters, no conflicts (2 of 4 stars). 2 submissions from 2 submitters: Uncertain significance (2). Last evaluated 2022-01-25.

Conditions:
Hereditary cancer-predisposing syndrome. Also called: Hereditary neoplastic syndrome; Tumor predisposition; Neoplastic Syndromes, Hereditary; Hereditary Cancer Syndrome. Identifiers: Orphanet 140162, MedGen C0027672, MeSH D009386, MONDO:0015356.

Submissions (2):

GeneDx
Classification: Uncertain significance. Last evaluated: 2022-01-25. Review status: criteria provided, single submitter. Criteria: GeneDx Variant Classification Process June 2021. Collection method: clinical testing. Allele origin: germline. Affected: yes.
Comment: Not observed at significant frequency in large population cohorts (gnomAD); In silico analysis supports that this missense variant has a deleterious effect on protein structure/function; Has not been previously published as pathogenic or benign to our knowledge; This variant is associated with the following publications: (PMID: 11574484)

Ambry Genetics
Classification: Uncertain significance for Hereditary cancer-predisposing syndrome. Last evaluated: 2019-08-07. Review status: criteria provided, single submitter. Criteria: Ambry Variant Classification Scheme 2023. Collection method: clinical testing. Allele origin: germline.
Comment: The p.T89A variant (also known as c.265A>G), located in coding exon 4 of the PMS2 gene, results from an A to G substitution at nucleotide position 265. The threonine at codon 89 is replaced by alanine, an amino acid with similar properties. This amino acid position is highly conserved in available vertebrate species. In addition, this alteration is predicted to be deleterious by in silico analysis. Since supporting evidence is limited at this time, the clinical significance of this alteration remains unclear.